The following is an entry in ClinVar:

NM_020859.4(SHROOM3):c.4494G>A (p.Pro1498=)

Genes: SHROOM3 (shroom family member 3; plus strand), SHROOM3-AS1 (SHROOM3 antisense RNA 1; minus strand). Cytogenetic location: 4q21.1.
Variant type: single nucleotide variant.
Coding change: c.4494G>A on transcript NM_020859.4 (MANE Select); coding-DNA position 4494, G replaced by A.
Protein change: p.Pro1498=; no amino-acid change (proline 1498 retained).
Molecular consequence: synonymous variant.
Genome position (GRCh38, 1-based): chr4:76,754,977, G>A. VCF-style: chr4-76754977-G-A. GRCh37 (hg19) VCF-style: chr4-77676130-G-A.
Identifiers: ClinVar variation 730398 (VCV000730398.7), dbSNP rs114509251, ClinGen allele CA2973022.

ClinVar aggregate classification (germline): Benign. Review status: criteria provided, multiple submitters, no conflicts (2 of 4 stars). 3 submissions from 3 submitters: Benign (2). 1 of the submissions does not count toward it. Last evaluated 2019-12-31.

Conditions:
SHROOM3-related disorder. Also called: SHROOM3-related condition.

Allele frequency attached by ClinVar (database versions not stated): gnomAD exomes 0.00074 and 0.00202; ExAC 0.00247; 1000 Genomes Project 0.00699; ESP Exome Variant Server 0.00715; gnomAD 0.00732 and 0.00787; 1000 Genomes Project 30x 0.00812; TOPMed 0.00861.
gnomAD v4.1: 2,253 of 1,614,026 alleles (0.14%); highest among the groups gnomAD compares: African/African-American, 2.5%; 31 homozygotes.

Submissions (3):

Labcorp Genetics (formerly Invitae), Labcorp
Classification: Benign. Last evaluated: 2019-12-31. Review status: criteria provided, single submitter. Criteria: Invitae Variant Classification Sherloc (09022015). Collection method: clinical testing. Allele origin: germline.

Breakthrough Genomics
Classification: Benign. Review status: criteria provided, single submitter. Criteria: ACMG Guidelines, 2015. Collection method: not provided. Allele origin: germline. Inheritance: Unknown mechanism. Affected: yes.

PreventionGenetics, part of Exact Sciences
Classification: Benign for SHROOM3-related condition. Last evaluated: 2019-07-12. Review status: no assertion criteria provided. Collection method: clinical testing. Allele origin: germline. Not counted in ClinVar's aggregate classification.
Comment: This variant is classified as benign based on ACMG/AMP sequence variant interpretation guidelines (Richards et al. 2015 PMID: 25741868, with internal and published modifications).